The following is an entry in ClinVar:

NM_006892.4(DNMT3B):c.2505C>T (p.Ser835=)

Gene: DNMT3B (DNA methyltransferase 3 beta; plus strand). Cytogenetic location: 20q11.21.
Variant type: single nucleotide variant.
Coding change: c.2505C>T on transcript NM_006892.4 (MANE Select); coding-DNA position 2505, C replaced by T.
Protein change: p.Ser835=; no amino-acid change (serine 835 retained).
Molecular consequence: synonymous variant.
Genome position (GRCh38, 1-based): chr20:32,807,846, C>T. VCF-style: chr20-32807846-C-T. GRCh37 (hg19) VCF-style: chr20-31395652-C-T.
Other names: c.2130C>T, p.Ser710= (NM_001207055.2); c.2028C>T, p.Ser676= (NM_001207056.2); c.2445C>T, p.Ser815= (NM_175848.2); c.2256C>T, p.Ser752= (NM_175849.2); c.2481C>T, p.Ser827= (NM_175850.3).
Identifiers: ClinVar variation 1917005 (VCV001917005.11), dbSNP rs955772228, ClinGen allele CA313159719.

ClinVar aggregate classification (germline): Likely benign. Review status: criteria provided, multiple submitters, no conflicts (2 of 4 stars). 2 submissions from 2 submitters: Likely benign (2). Last evaluated 2025-11-01.

Conditions:
Centromeric instability of chromosomes 1,9 and 16 and immunodeficiency (ICF1). Also called: CENTROMERIC INSTABILITY, IMMUNODEFICIENCY SYNDROME; IMMUNE DEFICIENCY, VARIABLE, WITH CENTROMERIC INSTABILITY OF CHROMOSOMES 1, 9, AND 16; IMMUNODEFICIENCY SYNDROME, VARIABLE; Immunodeficiency-centromeric instability-facial anomalies. Identifiers: Orphanet 2268, MedGen C0398788, MONDO:0000133.

Allele frequency attached by ClinVar (database versions not stated): gnomAD exomes 0.00001.
gnomAD v4.1: 19 of 1,614,110 alleles (0.0012%); highest among the groups gnomAD compares: East Asian, 0.0067%; no homozygotes.

Submissions (2):

CeGaT Center for Human Genetics Tuebingen
Classification: Likely benign. Last evaluated: 2025-11-01. Review status: criteria provided, single submitter. Criteria: CeGaT Center For Human Genetics Tuebingen Variant Classification Criteria Version 2. Collection method: clinical testing. Allele origin: germline. Affected: yes. Observed: 1 variant allele.
Comment: DNMT3B: BP4, BP7

Labcorp Genetics (formerly Invitae), Labcorp
Classification: Likely benign for Centromeric instability of chromosomes 1,9 and 16 and immunodeficiency. Last evaluated: 2023-11-28. Review status: criteria provided, single submitter. Criteria: Invitae Variant Classification Sherloc (09022015). Collection method: clinical testing. Allele origin: germline.